The following is an entry in ClinVar:

ClinVar aggregate classification (germline): Uncertain significance (1 of 4 stars; one submission).

Conditions:
CEP164-related disorder. Also called: CEP164-related condition.

gnomAD v4.1: 1 of 1,613,830 alleles (0.000062%); highest among the groups gnomAD compares: Non-Finnish European, 0.000085%; no homozygotes.

Submission:

PreventionGenetics, part of Exact Sciences
Classification: Uncertain significance for CEP164-related condition. Last evaluated: 2026-08-11. Review status: criteria provided, single submitter. Criteria: ACMG Guidelines, 2015. Collection method: clinical testing. Allele origin: germline.
Comment: The CEP164 c.3229G>A variant is predicted to result in the amino acid substitution p.Glu1077Lys. To our knowledge, this variant has not been reported in the literature or in a large population database (gnomAD), indicating this variant is rare. At this time, the clinical significance of this variant is uncertain due to the absence of conclusive functional and genetic evidence.

NM_014956.5(CEP164):c.3229G>A (p.Glu1077Lys)

Gene: CEP164 (centrosomal protein 164; plus strand). Cytogenetic location: 11q23.3.
Variant type: single nucleotide variant.
Coding change: c.3229G>A on transcript NM_014956.5 (MANE Select); coding-DNA position 3229, G replaced by A.
Protein change: p.Glu1077Lys; replaces glutamic acid 1077 with lysine.
Molecular consequence: missense variant.
Genome position (GRCh38, 1-based): chr11:117,396,562, G>A. VCF-style: chr11-117396562-G-A. GRCh37 (hg19) VCF-style: chr11-117267278-G-A.
Other names: c.3238G>A, p.Glu1080Lys (NM_001271933.2); c.3235G>A, p.Glu1079Lys (NM_001440949.1); c.3229G>A, p.Glu1077Lys (NM_001440950.1, NM_001440951.1, NM_001440953.1); c.3061G>A, p.Glu1021Lys (NM_001440952.1, NM_001440969.1); c.3151G>A, p.Glu1051Lys (NM_001440954.1, NM_001440955.1, NM_001440958.1 and 1 more transcripts); c.3142G>A, p.Glu1048Lys (NM_001440956.1); c.3139G>A, p.Glu1047Lys (NM_001440957.1); c.3100G>A, p.Glu1034Lys (NM_001440960.1); and 13 more; short protein forms E1001K, E1028K, E1077K, E932K, E952K, E981K, E1022K, E958K.
Identifiers: ClinVar variation 5001191 (VCV005001191.1).